The following is an entry in ClinVar:

NM_002941.4(ROBO1):c.4723G>T (p.Ala1575Ser)

Gene: ROBO1 (roundabout guidance receptor 1; minus strand). Cytogenetic location: 3p12.3.
Variant type: single nucleotide variant.
Coding change: c.4723G>T on transcript NM_002941.4 (MANE Select); coding-DNA position 4723, G replaced by T.
Protein change: p.Ala1575Ser; replaces alanine 1575 with serine.
Molecular consequence: missense variant.
Genome position (GRCh38, 1-based): chr3:78,606,754, C>A on the plus strand (G>T on the coding strand, the complement: ROBO1 is on the minus strand). VCF-style: chr3-78606754-C-A. GRCh37 (hg19) VCF-style: chr3-78655904-C-A.
Other names: c.4423G>T, p.Ala1475Ser (NM_001145845.2); c.4588G>T, p.Ala1530Ser (NM_133631.4); short protein forms A1475S, A1530S, A1575S.
Identifiers: ClinVar variation 3434673 (VCV003434673.2).

ClinVar aggregate classification (germline): Uncertain significance. Review status: criteria provided, multiple submitters, no conflicts (2 of 4 stars). 2 submissions from 2 submitters: Uncertain significance (2). Last evaluated 2025-05-07.

Conditions:
Inborn genetic diseases. Identifiers: MedGen C0950123, MeSH D030342.
ROBO1-related disorder. Also called: ROBO1-related condition.

gnomAD v4.1: 39 of 1,613,686 alleles (0.0024%); highest among the groups gnomAD compares: Non-Finnish European, 0.0033%; no homozygotes.

Submissions (2):

PreventionGenetics, part of Exact Sciences
Classification: Uncertain significance for ROBO1-related condition. Last evaluated: 2025-05-07. Review status: criteria provided, single submitter. Criteria: ACMG Guidelines, 2015. Collection method: clinical testing. Allele origin: germline.
Comment: The ROBO1 c.4723G>T variant is predicted to result in the amino acid substitution p.Ala1575Ser. To our knowledge, this variant has not been reported in the literature. This variant is reported in 0.0044% of alleles in individuals of European (Non-Finnish) descent in gnomAD. At this time, the clinical significance of this variant is uncertain due to the absence of conclusive functional and genetic evidence.

Ambry Genetics
Classification: Uncertain significance for Inborn genetic diseases. Last evaluated: 2024-07-27. Review status: criteria provided, single submitter. Criteria: Ambry Variant Classification Scheme 2023. Collection method: clinical testing. Allele origin: germline.